The following is an entry in ClinVar:

NM_001378328.1(CELSR1):c.6750C>T (p.Val2250=)

Gene: CELSR1 (cadherin EGF LAG seven-pass G-type receptor 1; minus strand). Cytogenetic location: 22q13.31.
Variant type: single nucleotide variant.
Coding change: c.6750C>T on transcript NM_001378328.1 (MANE Select); coding-DNA position 6750, C replaced by T.
Protein change: p.Val2250=; no amino-acid change (valine 2250 retained).
Molecular consequence: synonymous variant.
Genome position (GRCh38, 1-based): chr22:46,384,676, G>A on the plus strand (C>T on the coding strand, the complement: CELSR1 is on the minus strand). VCF-style: chr22-46384676-G-A. GRCh37 (hg19) VCF-style: chr22-46780573-G-A.
Other names: c.6750C>T, p.Val2250= (NM_014246.4).
Identifiers: ClinVar variation 2653321 (VCV002653321.25), dbSNP rs147996421, ClinGen allele CA10293634.

ClinVar aggregate classification (germline): Likely benign. Review status: criteria provided, multiple submitters, no conflicts (2 of 4 stars). 2 submissions from 2 submitters: Likely benign (2). Last evaluated 2024-11-15.

Allele frequency attached by ClinVar (database versions not stated): 1000 Genomes Project 30x 0.00016; 1000 Genomes Project 0.00020; gnomAD 0.00174; TOPMed 0.00190; ExAC 0.00214; ESP Exome Variant Server 0.00246; gnomAD exomes 0.00290.
gnomAD v4.1: 4,521 of 1,612,646 alleles (0.28%); highest among the groups gnomAD compares: Middle Eastern, 0.76%; 13 homozygotes.

Submissions (2):

Blueprint Genetics
Classification: Likely benign. Last evaluated: 2024-11-15. Review status: criteria provided, single submitter. Criteria: ACMG Guidelines, 2015. Collection method: clinical testing. Allele origin: germline.

CeGaT Center for Human Genetics Tuebingen
Classification: Likely benign. Last evaluated: 2024-02-01. Review status: criteria provided, single submitter. Criteria: CeGaT Center For Human Genetics Tuebingen Variant Classification Criteria Version 2. Collection method: clinical testing. Allele origin: germline. Affected: yes. Observed: 3 variant alleles.
Comment: CELSR1: BP4, BP7